The following is an entry in ClinVar:

ClinVar aggregate classification (germline): Conflicting classifications of pathogenicity. Review status: criteria provided, conflicting classifications (1 of 4 stars). 2 submissions from 2 submitters: Uncertain significance (1); Likely benign (1). Last evaluated 2026-01-19.

Conditions:
Ullrich congenital muscular dystrophy 2 (UCMD2). Identifiers: Orphanet 75840, MedGen C4225314, MONDO:0014654, OMIM 616470.
Bethlem myopathy 2 (BTHLM2). Identifiers: Orphanet 536516, Orphanet 610, MedGen C4225313, MONDO:0034022, OMIM 616471.

Allele frequency attached by ClinVar (database versions not stated): gnomAD exomes 0.00004; ExAC 0.00006; ESP Exome Variant Server 0.00008; gnomAD 0.00003.
gnomAD v4.1: 64 of 1,602,066 alleles (0.004%); highest among the groups gnomAD compares: African/African-American, 0.0054%; no homozygotes.

Submissions (2):

Labcorp Genetics (formerly Invitae), Labcorp
Classification: Likely benign for Bethlem myopathy 2; Ullrich congenital muscular dystrophy 2. Last evaluated: 2026-01-19. Review status: criteria provided, single submitter. Criteria: Invitae Variant Classification Sherloc (09022015). Collection method: clinical testing. Allele origin: germline.

GeneDx
Classification: Uncertain significance. Last evaluated: 2023-03-02. Review status: criteria provided, single submitter. Criteria: GeneDx Variant Classification Process June 2021. Collection method: clinical testing. Allele origin: germline. Affected: yes.
Comment: Has not been previously published as pathogenic or benign to our knowledge; In silico analysis is inconclusive as to whether the variant alters gene splicing. In the absence of RNA/functional studies, the actual effect of this sequence change is unknown.

NM_004370.6(COL12A1):c.9186C>T (p.Ser3062=)

Gene: COL12A1 (collagen type XII alpha 1 chain; minus strand). Cytogenetic location: 6q13.
Variant type: single nucleotide variant.
Coding change: c.9186C>T on transcript NM_004370.6 (MANE Select); coding-DNA position 9186, C replaced by T.
Protein change: p.Ser3062=; no amino-acid change (serine 3062 retained).
Molecular consequence: synonymous variant.
Genome position (GRCh38, 1-based): chr6:75,086,553, G>A on the plus strand (C>T on the coding strand, the complement: COL12A1 is on the minus strand). VCF-style: chr6-75086553-G-A. GRCh37 (hg19) VCF-style: chr6-75796269-G-A.
Other names: c.5694C>T, p.Ser1898= (NM_080645.3).
Identifiers: ClinVar variation 1101365 (VCV001101365.11), dbSNP rs375094592, ClinGen allele CA3891982.